The following is an entry in ClinVar:

ClinVar aggregate classification (germline): Uncertain significance (1 of 4 stars; one submission).

Submission:

GeneDx
Classification: Uncertain significance. Last evaluated: 2024-08-26. Review status: criteria provided, single submitter. Criteria: GeneDx Variant Classification Process June 2021. Collection method: clinical testing. Allele origin: germline. Affected: yes.
Comment: Not observed at significant frequency in large population cohorts (gnomAD); In silico analysis supports that this missense variant has a deleterious effect on protein structure/function; Has not been previously published as pathogenic or benign to our knowledge

NM_020987.5(ANK3):c.2135T>G (p.Val712Gly)

Gene: ANK3 (ankyrin 3; minus strand). Cytogenetic location: 10q21.2.
Variant type: single nucleotide variant.
Coding change: c.2135T>G on transcript NM_020987.5 (MANE Select); coding-DNA position 2135, T replaced by G.
Protein change: p.Val712Gly; replaces valine 712 with glycine.
Molecular consequence: missense variant.
Genome position (GRCh38, 1-based): chr10:60,181,378, A>C on the plus strand (T>G on the coding strand, the complement: ANK3 is on the minus strand). VCF-style: chr10-60181378-A-C. GRCh37 (hg19) VCF-style: chr10-61941136-A-C.
Other names: c.2117T>G, p.Val706Gly (NM_001204403.2); c.2084T>G, p.Val695Gly (NM_001204404.2); c.2135T>G, p.Val712Gly (NM_001320874.2); short protein forms V695G, V706G, V712G.
Identifiers: ClinVar variation 3766215 (VCV003766215.1).